The following is an entry in ClinVar:

NM_001365276.2(TNXB):c.2540G>A (p.Arg847Gln)

Gene: TNXB (tenascin XB; minus strand). Cytogenetic location: 6p21.33.
Variant type: single nucleotide variant.
Coding change: c.2540G>A on transcript NM_001365276.2 (MANE Select); coding-DNA position 2540, G replaced by A.
Protein change: p.Arg847Gln; replaces arginine 847 with glutamine.
Molecular consequence: missense variant.
Genome position (GRCh38, 1-based): chr6:32,089,024, C>T on the plus strand (G>A on the coding strand, the complement: TNXB is on the minus strand). VCF-style: chr6-32089024-C-T. GRCh37 (hg19) VCF-style: chr6-32056801-C-T.
Other names: p.Arg847Gln; c.2540G>A, p.Arg847Gln (NM_019105.8); short protein forms R847Q.
Identifiers: ClinVar variation 1219247 (VCV001219247.38), dbSNP rs200283439, ClinGen allele CA3735457.
Genomic context (GRCh38, chr6:32,089,024, plus strand): 5'-ACCTCAGCCTGGGGACGCAGCCAGCCAAGCTCCAGTGTTGTCGGTGTCACAGCCACCACT[C>T]GGAGGTCCTGGGGCCCATCGATCACTAGCCAGGTTAAAGAGGAGGACTCAGGTGGGTGTC-3'
Protein context (NP_001352205.1, residues 837-857): TTMIDGPQDL[Arg847Gln]VVAVTPTTLE

ClinVar aggregate classification (germline): Conflicting classifications of pathogenicity. Review status: criteria provided, conflicting classifications (1 of 4 stars). 6 submissions from 6 submitters: Uncertain significance (5); Likely benign (1). Last evaluated 2026-05-12.

Conditions:
TNXB-related disorder. Also called: TNXB-related condition.
Cardiovascular phenotype. Identifiers: MedGen CN230736.

Allele frequency attached by ClinVar (database versions not stated): gnomAD 0.00009 and 0.00010; gnomAD exomes 0.00010; ExAC 0.00012; TOPMed 0.00012; ESP Exome Variant Server 0.00024.
gnomAD v4.1: 273 of 1,610,584 alleles (0.017%); highest among the groups gnomAD compares: South Asian, 0.021%; 1 homozygote.

Submissions (6):

Women's Health and Genetics/Laboratory Corporation of America, LabCorp
Classification: Uncertain significance. Last evaluated: 2026-05-12. Review status: criteria provided, single submitter. Criteria: LabCorp Variant Classification Summary - May 2015. Collection method: clinical testing. Allele origin: germline.
Comment: Variant summary: TNXB c.2540G>A (p.Arg847Gln) results in a conservative amino acid change in the encoded protein sequence. Algorithms developed to predict the effect of missense changes on protein structure and function all suggest that this variant is likely to be tolerated. The variant allele was found at a frequency of 0.0001 in 248228 control chromosomes. This frequency is not significantly higher than estimated for disease-causing variants in TNXB, allowing no conclusion about variant significance. To our knowledge, no occurrence of c.2540G>A in individuals affected with TNXB-related conditions and no experimental evidence demonstrating its impact on protein function have been reported. ClinVar contains an entry for this variant (Variation ID: 1219247). Based on the evidence outlined above, the variant was classified as uncertain significance.

GeneDx
Classification: Uncertain significance. Last evaluated: 2025-07-01. Review status: criteria provided, single submitter. Criteria: GeneDx Variant Classification Process June 2021. Collection method: clinical testing. Allele origin: germline. Affected: yes.
Comment: In silico analysis suggests that this missense variant does not alter protein structure/function; Has not been previously published as pathogenic or benign to our knowledge

PreventionGenetics, part of Exact Sciences
Classification: Uncertain significance for TNXB-related condition. Last evaluated: 2025-03-24. Review status: criteria provided, single submitter. Criteria: ACMG Guidelines, 2015. Collection method: clinical testing. Allele origin: germline.
Comment: The TNXB c.2540G>A variant is predicted to result in the amino acid substitution p.Arg847Gln. To our knowledge, this variant has not been reported in the literature. This variant is reported in 0.016% of alleles in individuals of South Asian descent in gnomAD. At this time, the clinical significance of this variant is uncertain due to the absence of conclusive functional and genetic evidence.

Ambry Genetics
Classification: Likely benign for Cardiovascular phenotype. Last evaluated: 2024-08-24. Review status: criteria provided, single submitter. Criteria: Ambry Variant Classification Scheme 2023. Collection method: clinical testing. Allele origin: germline.

Mayo Clinic Laboratories, Mayo Clinic
Classification: Uncertain significance. Last evaluated: 2024-06-17. Review status: criteria provided, single submitter. Criteria: ACMG Guidelines, 2015. Collection method: clinical testing. Allele origin: germline. Observed: 3 variant alleles.

CeGaT Center for Human Genetics Tuebingen
Classification: Uncertain significance. Last evaluated: 2022-10-01. Review status: criteria provided, single submitter. Criteria: CeGaT Center For Human Genetics Tuebingen Variant Classification Criteria Version 2. Collection method: clinical testing. Allele origin: germline. Affected: yes. Observed: 1 variant allele.